The following is an entry in ClinVar:

NM_015175.3(NBEAL2):c.579C>T (p.His193=)

Gene: NBEAL2 (neurobeachin like 2; plus strand). Cytogenetic location: 3p21.31.
Variant type: single nucleotide variant.
Coding change: c.579C>T on transcript NM_015175.3 (MANE Select); coding-DNA position 579, C replaced by T.
Protein change: p.His193=; no amino-acid change (histidine 193 retained).
Molecular consequence: synonymous variant.
Genome position (GRCh38, 1-based): chr3:46,991,241, C>T. VCF-style: chr3-46991241-C-T. GRCh37 (hg19) VCF-style: chr3-47032731-C-T.
Other names: c.558C>T, p.His186= (NM_001365116.2).
Identifiers: ClinVar variation 3233667 (VCV003233667.10), dbSNP rs374287073, ClinGen allele CA2360151.

ClinVar aggregate classification (germline): Likely benign. Review status: criteria provided, multiple submitters, no conflicts (2 of 4 stars). 3 submissions from 3 submitters: Likely benign (3). Last evaluated 2025-12-02.

Allele frequency attached by ClinVar (database versions not stated): ExAC 0.00004; ESP Exome Variant Server 0.00008; TOPMed 0.00009; gnomAD 0.00011; gnomAD exomes 0.00027.
gnomAD v4.1: 413 of 1,608,036 alleles (0.026%); highest among the groups gnomAD compares: Non-Finnish European, 0.033%; no homozygotes.

Submissions (3):

Labcorp Genetics (formerly Invitae), Labcorp
Classification: Likely benign. Last evaluated: 2025-12-02. Review status: criteria provided, single submitter. Criteria: Invitae Variant Classification Sherloc (09022015). Collection method: clinical testing. Allele origin: germline.

CeGaT Center for Human Genetics Tuebingen
Classification: Likely benign. Last evaluated: 2025-09-01. Review status: criteria provided, single submitter. Criteria: CeGaT Center For Human Genetics Tuebingen Variant Classification Criteria Version 2. Collection method: clinical testing. Allele origin: germline. Affected: yes. Observed: 1 variant allele.
Comment: NBEAL2: BP4, BP7

Women's Health and Genetics/Laboratory Corporation of America, LabCorp
Classification: Likely benign. Last evaluated: 2024-03-04. Review status: criteria provided, single submitter. Criteria: LabCorp Variant Classification Summary - May 2015. Collection method: clinical testing. Allele origin: germline.